The following is an entry in ClinVar:

NM_004646.4(NPHS1):c.2442C>G (p.Tyr814Ter)

Gene: NPHS1 (NPHS1 adhesion molecule, nephrin; minus strand). Cytogenetic location: 19q13.12.
Variant type: single nucleotide variant.
Coding change: c.2442C>G on transcript NM_004646.4 (MANE Select); coding-DNA position 2442, C replaced by G.
Protein change: p.Tyr814Ter; replaces tyrosine 814 with a stop codon.
Molecular consequence: nonsense.
Genome position (GRCh38, 1-based): chr19:35,842,443, G>C on the plus strand (C>G on the coding strand, the complement: NPHS1 is on the minus strand). VCF-style: chr19-35842443-G-C. GRCh37 (hg19) VCF-style: chr19-36333345-G-C.
Other names: short protein forms Y814*.
Identifiers: ClinVar variation 56474 (VCV000056474.3), dbSNP rs386833913, ClinGen allele CA250187.

ClinVar aggregate classification (germline): Pathogenic. Review status: criteria provided, single submitter (1 of 4 stars). 2 submissions from 2 submitters: Pathogenic (1). 1 of the submissions does not count toward it. Last evaluated 2025-12-02.

Conditions:
Finnish congenital nephrotic syndrome (NPHS1). Also called: NEPHROTIC SYNDROME, TYPE 1. Identifiers: Orphanet 839, MedGen C0403399, MONDO:0009732, OMIM 256300.

gnomAD v4.1: 1 of 1,614,164 alleles (0.000062%); highest among the groups gnomAD compares: Non-Finnish European, 0.000085%; no homozygotes.

Submissions (2):

Institute of Human Genetics, University of Leipzig Medical Center
Classification: Pathogenic for Finnish congenital nephrotic syndrome. Last evaluated: 2025-12-02. Review status: criteria provided, single submitter. Criteria: ACMG Guidelines, 2015. Collection method: clinical testing. Allele origin: unknown. Inheritance: Autosomal recessive inheritance. Affected: yes.
Comment: Criteria applied: PVS1,PM2,PM3; Identified as compund heterozygous with NM_004646.4:c.527-40G>A

Juha Muilu Group; Institute for Molecular Medicine Finland (FIMM)
Classification: Likely pathogenic for Finnish congenital nephrotic syndrome. Review status: no assertion criteria provided. Collection method: not provided. Allele origin: unknown. Not counted in ClinVar's aggregate classification.
Comment: FinDis database variant: This variant was not found or characterized by our laboratory, data were collected from public sources: see reference
ClinVar note: Converted during submission from probable-pathogenic to Likely pathogenic.